The following is an entry in ClinVar:

NM_030943.4(AMN):c.663G>A (p.Trp221Ter)

Gene: AMN (amnion associated transmembrane protein; plus strand). Cytogenetic location: 14q32.32.
Variant type: single nucleotide variant.
Coding change: c.663G>A on transcript NM_030943.4 (MANE Select); coding-DNA position 663, G replaced by A.
Protein change: p.Trp221Ter; replaces tryptophan 221 with a stop codon.
Molecular consequence: nonsense.
Genome position (GRCh38, 1-based): chr14:102,929,439, G>A. VCF-style: chr14-102929439-G-A. GRCh37 (hg19) VCF-style: chr14-103395776-G-A.
Other names: short protein forms W221*.
Identifiers: ClinVar variation 56756 (VCV000056756.5), dbSNP rs386834174, ClinGen allele CA144414.

ClinVar aggregate classification (germline): Pathogenic. Review status: criteria provided, single submitter (1 of 4 stars). 2 submissions from 2 submitters: Pathogenic (1). 1 of the submissions does not count toward it. Last evaluated 2023-03-02.

Conditions:
Imerslund-Grasbeck syndrome. Also called: ENTEROCYTE COBALAMIN MALABSORPTION; ENTEROCYTE INTRINSIC FACTOR RECEPTOR, DEFECT OF; PERNICIOUS ANEMIA, JUVENILE, DUE TO SELECTIVE INTESTINAL MALABSORPTION OF VITAMIN B12, WITH PROTEINURIA; Megaloblastic anemia due to inborn errors of metabolism; Imerslund-Gräsbeck syndrome. Identifiers: Orphanet 35858, MedGen C4551825, MONDO:0009853.

Submissions (2):

Labcorp Genetics (formerly Invitae), Labcorp
Classification: Pathogenic for Imerslund-Grasbeck syndrome. Last evaluated: 2023-03-02. Review status: criteria provided, single submitter. Criteria: Invitae Variant Classification Sherloc (09022015). Collection method: clinical testing. Allele origin: germline.
Comment: For these reasons, this variant has been classified as Pathogenic. ClinVar contains an entry for this variant (Variation ID: 56756). This sequence change creates a premature translational stop signal (p.Trp221*) in the AMN gene. It is expected to result in an absent or disrupted protein product. Loss-of-function variants in AMN are known to be pathogenic (PMID: 12590260, 22929189). This variant is not present in population databases (gnomAD no frequency). This premature translational stop signal has been observed in individual(s) with AMN-related conditions (PMID: 22631584, 22929189).

Juha Muilu Group; Institute for Molecular Medicine Finland (FIMM)
Classification: Likely pathogenic for Megaloblastic anemia due to inborn errors of metabolism. Review status: no assertion criteria provided. Collection method: not provided. Allele origin: unknown. Not counted in ClinVar's aggregate classification.
Comment: FinDis database variant: This variant was not found or characterized by our laboratory, data were collected from public sources: see reference
ClinVar note: Converted during submission from probable-pathogenic to Likely pathogenic.

Literature cited by the submitters: PubMed 12590260 (cited by Labcorp Genetics (formerly Invitae), Labcorp); PubMed 22929189 (cited by Labcorp Genetics (formerly Invitae), Labcorp); PubMed 22631584 (cited by Labcorp Genetics (formerly Invitae), Labcorp).